The following is an entry in ClinVar:

NM_001433705.1(NLRP5):c.2191C>T (p.His731Tyr)

Gene: NLRP5 (NLR family pyrin domain containing 5; plus strand). Cytogenetic location: 19q13.43.
Variant type: single nucleotide variant.
Coding change: c.2191C>T on transcript NM_001433705.1 (MANE Select); coding-DNA position 2191, C replaced by T.
Protein change: p.His731Tyr; replaces histidine 731 with tyrosine.
Molecular consequence: missense variant.
Genome position (GRCh38, 1-based): chr19:56,032,678, C>T. VCF-style: chr19-56032678-C-T. GRCh37 (hg19) VCF-style: chr19-56544044-C-T.
Other names: NM_153447.4:c.2344C>T; short protein forms H731Y.
Identifiers: ClinVar variation 721700 (VCV000721700.5), dbSNP rs577329143, ClinGen allele CA9685854.
Genomic context (GRCh38, chr19:56,032,678, plus strand): 5'-GATAAGACCCTCATTGAGGAGCAGTGGGAAGATTTCTGCTCCATGCTTGGCACCCACCCA[C>T]ACCTGCGGCAGCTGGACCTGGGCAGCAGCATCCTGACAGAGCGGGCCATGAAGACCCTGT-3'
Protein context (NP_001420634.1, residues 721-741): DFCSMLGTHP[His731Tyr]LRQLDLGSSI

ClinVar aggregate classification (germline): Benign. Review status: criteria provided, single submitter (1 of 4 stars). 2 submissions from 2 submitters: Benign (1). 1 of the submissions does not count toward it. Last evaluated 2018-11-16.

Conditions:
NLRP5-related disorder. Also called: NLRP5-related condition.

Allele frequency attached by ClinVar (database versions not stated): gnomAD 0.00033 and 0.00001; gnomAD exomes 0.00062 and 0.00123; 1000 Genomes Project 30x 0.00203; TOPMed 0.00005; ExAC 0.00136; 1000 Genomes Project 0.00220.
gnomAD v4.1: 966 of 1,613,724 alleles (0.06%); highest among the groups gnomAD compares: South Asian, 1%; 15 homozygotes.

Submissions (2):

Labcorp Genetics (formerly Invitae), Labcorp
Classification: Benign. Last evaluated: 2018-11-16. Review status: criteria provided, single submitter. Criteria: Invitae Variant Classification Sherloc (09022015). Collection method: clinical testing. Allele origin: germline.

PreventionGenetics, part of Exact Sciences
Classification: Benign for NLRP5-related condition. Last evaluated: 2020-01-02. Review status: no assertion criteria provided. Collection method: clinical testing. Allele origin: germline. Not counted in ClinVar's aggregate classification.
Comment: This variant is classified as benign based on ACMG/AMP sequence variant interpretation guidelines (Richards et al. 2015 PMID: 25741868, with internal and published modifications).